The following is an entry in ClinVar:

NM_001267550.2(TTN):c.20971A>G (p.Ser6991Gly)

Genes: TTN (titin; minus strand), LOC126806428 (BRD4-independent group 4 enhancer GRCh37_chr2:179588362-179589561; plus strand). Cytogenetic location: 2q31.2.
Variant type: single nucleotide variant.
Coding change: c.20971A>G on transcript NM_001267550.2 (MANE Select); coding-DNA position 20971, A replaced by G.
Protein change: p.Ser6991Gly; replaces serine 6991 with glycine.
Molecular consequence: missense variant. On other transcripts: intron variant (3).
Genome position (GRCh38, 1-based): chr2:178,724,404, T>C on the plus strand (A>G on the coding strand, the complement: TTN is on the minus strand). VCF-style: chr2-178724404-T-C. GRCh37 (hg19) VCF-style: chr2-179589131-T-C.
Other names: c.20020A>G, p.Ser6674Gly (NM_001256850.1); c.13282+13678A>G (NM_003319.4); c.13858+13678A>G (NM_133437.4); c.13657+13678A>G (NM_133432.3); c.17239A>G, p.Ser5747Gly (NM_133378.4); short protein forms S6991G, S5747G, S6674G.
Identifiers: ClinVar variation 46678 (VCV000046678.5), dbSNP rs397517496, ClinGen allele CA138941.

ClinVar aggregate classification (germline): Uncertain significance (1 of 4 stars; one submission).

Submission:

Laboratory for Molecular Medicine, Mass General Brigham Personalized Medicine
Classification: Uncertain significance. Last evaluated: 2012-05-09. Review status: criteria provided, single submitter. Criteria: LMM Criteria. Collection method: clinical testing. Allele origin: germline. Observed: 1 variant allele.
Comment: The Ser5747Gly variant in TTN has not been reported in the literature nor previo usly identified by our laboratory. This variant was absent from 2 very large and broad populations (European and African American) screened by the NHLBI Exome S equencing Project. This low frequency is cons istent with a disease causing role; however, the affected amino acid (serine, Se r) at is only moderately well conserved in evolution, raising the possibility th at a change would be tolerated. Other computational analyses (biochemical amino acid properties, AlignGVGD, PolyPhen2, and SIFT) do not provide strong support f or or against an impact to the protein. In summary, additional information is ne eded to fully assess the clinical significance of the Ser5747Gly variant.